The following is an entry in ClinVar:

ClinVar aggregate classification (germline): Pathogenic/Likely pathogenic. Review status: criteria provided, multiple submitters, no conflicts (2 of 4 stars). 3 submissions from 3 submitters: Pathogenic (1); Likely pathogenic (2). Last evaluated 2026-01-04.

Conditions:
GRACILE syndrome (FLNMS). Also called: FELLMAN SYNDROME; FINNISH LETHAL NEONATAL METABOLIC SYNDROME. Identifiers: Orphanet 53693, MedGen C1864002, MONDO:0011308, OMIM 603358.
Pili torti-deafness syndrome (BJS). Also called: Bjornstad syndrome; PILI TORTI AND NERVE DEAFNESS. Identifiers: Orphanet 123, MedGen C0266006, MONDO:0009872, OMIM 262000.

Allele frequency attached by ClinVar (database versions not stated): TOPMed below 0.00001; gnomAD 0.00001; gnomAD exomes 0.00001 and 0.00002; ExAC 0.00002.

Submissions (3):

Natera, Inc.
Classification: Likely pathogenic for GRACILE syndrome. Last evaluated: 2026-01-04. Review status: criteria provided, single submitter. Criteria: Natera Variant Classification Schema (03/2026). Collection method: clinical testing. Allele origin: germline.
Comment: The c.463C>T variant in BCS1L is a nonsense variant predicted to introduce a stop codon at amino acid 155. This variant is expected to result in nonsense mediated decay, truncation, or a dysfunctional protein product. This variant is rare in the general population with a frequency below the threshold expected for the associated phenotype(s). Given the available evidence, this variant is classified as Likely Pathogenic.

Labcorp Genetics (formerly Invitae), Labcorp
Classification: Pathogenic. Last evaluated: 2023-11-02. Review status: criteria provided, single submitter. Criteria: Invitae Variant Classification Sherloc (09022015). Collection method: clinical testing. Allele origin: germline.
Comment: This sequence change creates a premature translational stop signal (p.Arg155*) in the BCS1L gene. It is expected to result in an absent or disrupted protein product. Loss-of-function variants in BCS1L are known to be pathogenic (PMID: 12215968, 17314340, 19162478, 19508421, 22277166, 25895478). This variant is present in population databases (rs774688562, gnomAD 0.007%). This variant has not been reported in the literature in individuals affected with BCS1L-related conditions. ClinVar contains an entry for this variant (Variation ID: 1073784). For these reasons, this variant has been classified as Pathogenic.

Baylor Genetics
Classification: Likely pathogenic for Pili torti-deafness syndrome. Last evaluated: 2023-03-15. Review status: criteria provided, single submitter. Criteria: ACMG Guidelines, 2015. Collection method: clinical testing. Allele origin: unknown.

Literature cited by the submitters: PubMed 12215968 (cited by Labcorp Genetics (formerly Invitae), Labcorp); PubMed 17314340 (cited by Labcorp Genetics (formerly Invitae), Labcorp); PubMed 19162478 (cited by Labcorp Genetics (formerly Invitae), Labcorp); PubMed 19508421 (cited by Labcorp Genetics (formerly Invitae), Labcorp); PubMed 22277166 (cited by Labcorp Genetics (formerly Invitae), Labcorp); PubMed 25895478 (cited by Labcorp Genetics (formerly Invitae), Labcorp).

NM_001079866.2(BCS1L):c.463C>T (p.Arg155Ter)

Gene: BCS1L (BCS1 ubiquinol-cytochrome c reductase complex chaperone; plus strand). Cytogenetic location: 2q35.
Variant type: single nucleotide variant.
Coding change: c.463C>T on transcript NM_001079866.2 (MANE Select); coding-DNA position 463, C replaced by T.
Protein change: p.Arg155Ter; replaces arginine 155 with a stop codon.
Molecular consequence: nonsense. On other transcripts: 5 prime UTR variant (6), non-coding transcript variant (1).
Genome position (GRCh38, 1-based): chr2:218,661,761, C>T. VCF-style: chr2-218661761-C-T. GRCh37 (hg19) VCF-style: chr2-219526484-C-T.
Other names: c.463C>T, p.Arg155Ter (NM_001257342.2, NM_001257343.2, NM_001257344.2 and 10 more transcripts); c.103C>T, p.Arg35Ter (NM_001318836.2, NM_001371451.1); c.-39C>T (NM_001371452.1, NM_001371453.1, NM_001371454.1 and 3 more transcripts); c.463C>T (NM_004328.4); short protein forms R155*, R35*.
Identifiers: ClinVar variation 1073784 (VCV001073784.9), dbSNP rs774688562, ClinGen allele CA2109683.